The following is an entry in ClinVar:

NM_138420.4(AHNAK2):c.2741T>G (p.Val914Gly)

Gene: AHNAK2 (AHNAK nucleoprotein 2; minus strand). Cytogenetic location: 14q32.33.
Variant type: single nucleotide variant.
Coding change: c.2741T>G on transcript NM_138420.4 (MANE Select); coding-DNA position 2741, T replaced by G.
Protein change: p.Val914Gly; replaces valine 914 with glycine.
Molecular consequence: missense variant.
Genome position (GRCh38, 1-based): chr14:104,952,710, A>C on the plus strand (T>G on the coding strand, the complement: AHNAK2 is on the minus strand). VCF-style: chr14-104952710-A-C. GRCh37 (hg19) VCF-style: chr14-105419047-A-C.
Other names: c.2441T>G, p.Val814Gly (NM_001350929.2); short protein forms V814G, V914G.
Identifiers: ClinVar variation 5039028 (VCV005039028.1).

ClinVar aggregate classification (germline): Likely benign (1 of 4 stars; one submission).

Submission:

CeGaT Center for Human Genetics Tuebingen
Classification: Likely benign. Last evaluated: 2026-07-01. Review status: criteria provided, single submitter. Criteria: CeGaT Center For Human Genetics Tuebingen Variant Classification Criteria Version 2. Collection method: clinical testing. Allele origin: germline. Affected: yes. Observed: 1 variant allele.
Comment: AHNAK2: BP4